The following is an entry in ClinVar:

ClinVar aggregate classification (germline): Uncertain significance (1 of 4 stars; one submission).

Allele frequency attached by ClinVar (database versions not stated): TOPMed below 0.00001; gnomAD 0.00001; gnomAD exomes 0.00001; ExAC 0.00002.
gnomAD v4.1: 10 of 1,610,728 alleles (0.00062%); highest among the groups gnomAD compares: South Asian, 0.0056%; no homozygotes.

Submission:

Ambry Genetics
Classification: Uncertain significance. Last evaluated: 2021-08-15. Review status: criteria provided, single submitter. Criteria: Ambry Variant Classification Scheme 2023. Collection method: clinical testing. Allele origin: germline.
Comment: The p.S648L variant (also known as c.1943C>T), located in coding exon 18 of the PRKDC gene, results from a C to T substitution at nucleotide position 1943. The serine at codon 648 is replaced by leucine, an amino acid with dissimilar properties. This amino acid position is conserved. In addition, this alteration is predicted to be tolerated by in silico analysis. Since supporting evidence is limited at this time, the clinical significance of this alteration remains unclear.

NM_006904.7(PRKDC):c.1943C>T (p.Ser648Leu)

Gene: PRKDC (protein kinase, DNA-activated, catalytic subunit; minus strand). Cytogenetic location: 8q11.21.
Variant type: single nucleotide variant.
Coding change: c.1943C>T on transcript NM_006904.7 (MANE Select); coding-DNA position 1943, C replaced by T.
Protein change: p.Ser648Leu; replaces serine 648 with leucine.
Molecular consequence: missense variant.
Genome position (GRCh38, 1-based): chr8:47,929,962, G>A on the plus strand (C>T on the coding strand, the complement: PRKDC is on the minus strand). VCF-style: chr8-47929962-G-A. GRCh37 (hg19) VCF-style: chr8-48842522-G-A.
Other names: c.1943C>T, p.Ser648Leu (NM_001081640.2); short protein forms S648L.
Identifiers: ClinVar variation 1783089 (VCV001783089.2), dbSNP rs745697529, ClinGen allele CA4741590.
Genomic context (GRCh38, chr8:47,929,962, plus strand): 5'-TTGTAGAAACCACTGATGAGGGGCAACCTTGTAGATTGCAAAATTAATTCATATGAAAAT[G>A]AGTACACCCATGGTTCAAAAAATTCTGCTTGTTTCTCAGGGAGAATCTCTCTGTAAAAAC-3'
Protein context (NP_008835.5, residues 638-658): QAEFFEPWVY[Ser648Leu]FSYELILQST